The following is an entry in ClinVar:

NM_000289.6(PFKM):c.1192-3_1192-2del

Gene: PFKM (phosphofructokinase, muscle; plus strand). Cytogenetic location: 12q13.11.
Variant type: Microsatellite.
Coding change: c.1192-3_1192-2del on transcript NM_000289.6 (MANE Select); 3 bases into the intron before coding-DNA position 1192 through the canonical splice acceptor site of the intron before coding-DNA position 1192, 2 bases deleted (TA; older notation c.1192-3_1192-2delTA).
Molecular consequence: splice acceptor variant.
Genome position (GRCh38, 1-based): chr12:48,140,719-48,140,720, TA deleted; deleting any 2 consecutive bases within chr12:48,140,717-48,140,720 gives the same sequence; the c. name uses the placement nearest the transcript's 3' end. VCF-style (leftmost placement, unchanged base first): chr12-48140716-GTA-G. GRCh37 (hg19) VCF-style: chr12-48534499-GTA-G.
Other names: c.1192-3_1192-2delTA (NM_000289.6, NM_000289.5); c.1216-3_1216-2del (NM_001354741.2); c.1192-3_1192-2del (NM_001354742.2, NM_001354743.2, NM_001354744.2 and 2 more transcripts); c.1042-3_1042-2del (NM_001354747.2, NM_001354748.2); c.1405-3_1405-2del (NM_001166686.2, NM_001354737.1, NM_001354739.1 and 1 more transcripts); c.1501-3_1501-2del (NM_001354736.1, NM_001354735.1); c.1336-3_1336-2del (NM_001354740.1); c.1105-3_1105-2del (NM_001354745.2); and 2 more.
Identifiers: ClinVar variation 989547 (VCV000989547.11), dbSNP rs780969059, ClinGen allele CA6537279.
Genomic context (GRCh38, chr12:48,140,716, plus strand): 5'-ACTAACCTCCTCCCTGTTCCCCTGCTGGGTTTCTGTCCTCATTTTTCCCTGCTTCCTCCT[GTA>G]TAGAGTGGTTCGCACACAGTGGCTGTGATGAACGTGGGGGCTCCGGCTGCAGGCATGAAT-3'

ClinVar aggregate classification (germline): Likely benign. Review status: criteria provided, single submitter (1 of 4 stars). 3 submissions from 3 submitters: Likely benign (1). 2 of the submissions do not count toward it. Last evaluated 2025-12-30.

Conditions:
PFKM-related disorder. Also called: PFKM-related condition.
Glycogen storage disease, type VII (GSD7). Also called: TARUI DISEASE; GSD VII; MUSCLE PHOSPHOFRUCTOKINASE DEFICIENCY; PFKM DEFICIENCY. Identifiers: Orphanet 371, MedGen C0017926, MONDO:0009295, OMIM 232800.

Submissions (3):

Labcorp Genetics (formerly Invitae), Labcorp
Classification: Likely benign for Glycogen storage disease, type VII. Last evaluated: 2025-12-30. Review status: criteria provided, single submitter. Criteria: Invitae Variant Classification Sherloc (09022015). Collection method: clinical testing. Allele origin: germline.

Natera, Inc.
Classification: Uncertain significance for Glycogen storage disease type VII. Last evaluated: 2020-05-19. Review status: no assertion criteria provided. Collection method: clinical testing. Allele origin: germline. Not counted in ClinVar's aggregate classification.

PreventionGenetics, part of Exact Sciences
Classification: Likely benign for PFKM-related condition. Last evaluated: 2019-06-25. Review status: no assertion criteria provided. Collection method: clinical testing. Allele origin: germline. Not counted in ClinVar's aggregate classification.
Comment: This variant is classified as likely benign based on ACMG/AMP sequence variant interpretation guidelines (Richards et al. 2015 PMID: 25741868, with internal and published modifications).